The following is an entry in ClinVar:

NM_018429.3(BDP1):c.1318G>C (p.Glu440Gln)

Gene: BDP1 (BDP1 general transcription factor IIIB subunit; plus strand). Cytogenetic location: 5q13.2.
Variant type: single nucleotide variant.
Coding change: c.1318G>C on transcript NM_018429.3 (MANE Select); coding-DNA position 1318, G replaced by C.
Protein change: p.Glu440Gln; replaces glutamic acid 440 with glutamine.
Molecular consequence: missense variant.
Genome position (GRCh38, 1-based): chr5:71,489,508, G>C. VCF-style: chr5-71489508-G-C. GRCh37 (hg19) VCF-style: chr5-70785335-G-C.
Other names: short protein forms E440Q.
Identifiers: ClinVar variation 3133615 (VCV003133615.2), dbSNP rs201957359, ClinGen allele CA3295970.

ClinVar aggregate classification (germline): Uncertain significance. Review status: criteria provided, multiple submitters, no conflicts (2 of 4 stars). 2 submissions from 2 submitters: Uncertain significance (2). Last evaluated 2025-08-28.

Conditions:
BDP1-related disorder. Also called: BDP1-related condition.

Allele frequency attached by ClinVar (database versions not stated): ExAC 0.00015; 1000 Genomes Project 0.00020; ESP Exome Variant Server 0.00025; 1000 Genomes Project 30x 0.00031.
gnomAD v4.1: 531 of 1,614,122 alleles (0.033%); highest among the groups gnomAD compares: Non-Finnish European, 0.041%; no homozygotes.

Submissions (2):

PreventionGenetics, part of Exact Sciences
Classification: Uncertain significance for BDP1-related condition. Last evaluated: 2025-08-28. Review status: criteria provided, single submitter. Criteria: ACMG Guidelines, 2015. Collection method: clinical testing. Allele origin: germline.
Comment: The BDP1 c.1318G>C variant is predicted to result in the amino acid substitution p.Glu440Gln. To our knowledge, this variant has not been reported in the literature. This variant is reported in 0.048% of alleles in individuals of European (Finnish) descent in gnomAD. At this time, the clinical significance of this variant is uncertain due to the absence of conclusive functional and genetic evidence.

Ambry Genetics
Classification: Uncertain significance. Last evaluated: 2023-09-29. Review status: criteria provided, single submitter. Criteria: Ambry Variant Classification Scheme 2023. Collection method: clinical testing. Allele origin: germline.